The following is an entry in ClinVar:

ClinVar aggregate classification (germline): Uncertain significance (1 of 4 stars; one submission).

Conditions:
Familial episodic pain syndrome with predominantly lower limb involvement. Also called: Episodic pain syndrome, familial, 3. Identifiers: Orphanet 391384, Orphanet 391392, MedGen C3809899, MONDO:0014247, OMIM 615552.
Hereditary sensory and autonomic neuropathy type 7. Also called: HSAN VII; Neuropathy, hereditary sensory and autonomic, type VII. Identifiers: Orphanet 391397, MedGen C3809882, MONDO:0014244, OMIM 615548.

Allele frequency attached by ClinVar (database versions not stated): gnomAD exomes 0.00001.
gnomAD v4.1: 15 of 1,614,188 alleles (0.00093%); highest among the groups gnomAD compares: Non-Finnish European, 0.0013%; no homozygotes.

Submission:

Labcorp Genetics (formerly Invitae), Labcorp
Classification: Uncertain significance for Familial episodic pain syndrome with predominantly lower limb involvement; Hereditary sensory and autonomic neuropathy type 7. Last evaluated: 2019-08-21. Review status: criteria provided, single submitter. Criteria: Invitae Variant Classification Sherloc (09022015). Collection method: clinical testing. Allele origin: germline.
Comment: In summary, the available evidence is currently insufficient to determine the role of this variant in disease. Therefore, it has been classified as a Variant of Uncertain Significance. Algorithms developed to predict the effect of missense changes on protein structure and function are either unavailable or do not agree on the potential impact of this missense change (SIFT: "Deleterious"; PolyPhen-2: "Possibly Damaging"; Align-GVGD: "Class C15"). This variant has not been reported in the literature in individuals with SCN11A-related conditions. This variant is not present in population databases (ExAC no frequency). This sequence change replaces threonine with isoleucine at codon 1638 of the SCN11A protein (p.Thr1638Ile). The threonine residue is highly conserved and there is a moderate physicochemical difference between threonine and isoleucine.

NM_001349253.2(SCN11A):c.4913C>T (p.Thr1638Ile)

Gene: SCN11A (sodium voltage-gated channel alpha subunit 11; minus strand). Cytogenetic location: 3p22.2.
Variant type: single nucleotide variant.
Coding change: c.4913C>T on transcript NM_001349253.2 (MANE Select); coding-DNA position 4913, C replaced by T.
Protein change: p.Thr1638Ile; replaces threonine 1638 with isoleucine.
Molecular consequence: missense variant.
Genome position (GRCh38, 1-based): chr3:38,847,157, G>A on the plus strand (C>T on the coding strand, the complement: SCN11A is on the minus strand). VCF-style: chr3-38847157-G-A. GRCh37 (hg19) VCF-style: chr3-38888648-G-A.
Other names: c.4913C>T, p.Thr1638Ile (NM_014139.3); short protein forms T1638I.
Identifiers: ClinVar variation 961795 (VCV000961795.6), dbSNP rs768959468, ClinGen allele CA72959669.